The following is an entry in ClinVar:

ClinVar aggregate classification (germline): Uncertain significance (1 of 4 stars; one submission).

Conditions:
Cranioectodermal dysplasia 1 (CED1). Also called: LEVIN SYNDROME I. Identifiers: Orphanet 1515, MedGen C0432235, MONDO:0021093, OMIM 218330.

gnomAD v4.1: 62 of 1,612,630 alleles (0.0038%); highest among the groups gnomAD compares: Non-Finnish European, 0.0052%; no homozygotes.

Submission:

Labcorp Genetics (formerly Invitae), Labcorp
Classification: Uncertain significance for Cranioectodermal dysplasia 1. Last evaluated: 2024-09-12. Review status: criteria provided, single submitter. Criteria: Invitae Variant Classification Sherloc (09022015). Collection method: clinical testing. Allele origin: germline.
Comment: This sequence change replaces serine, which is neutral and polar, with glycine, which is neutral and non-polar, at codon 731 of the IFT122 protein (p.Ser731Gly). This variant is present in population databases (rs769054292, gnomAD 0.002%). This variant has not been reported in the literature in individuals affected with IFT122-related conditions. Invitae Evidence Modeling of protein sequence and biophysical properties (such as structural, functional, and spatial information, amino acid conservation, physicochemical variation, residue mobility, and thermodynamic stability) indicates that this missense variant is not expected to disrupt IFT122 protein function with a negative predictive value of 80%. In summary, the available evidence is currently insufficient to determine the role of this variant in disease. Therefore, it has been classified as a Variant of Uncertain Significance.

NM_052989.3(IFT122):c.2038A>G (p.Ser680Gly)

Gene: IFT122 (intraflagellar transport 122; plus strand). Cytogenetic location: 3q21.3.
Variant type: single nucleotide variant.
Coding change: c.2038A>G on transcript NM_052989.3 (MANE Select); coding-DNA position 2038, A replaced by G.
Protein change: p.Ser680Gly; replaces serine 680 with glycine.
Molecular consequence: missense variant. On other transcripts: intron variant (4).
Genome position (GRCh38, 1-based): chr3:129,492,186, A>G. VCF-style: chr3-129492186-A-G. GRCh37 (hg19) VCF-style: chr3-129211029-A-G.
Other names: c.1705A>G, p.Ser569Gly (NM_052990.3, NM_001410815.1); c.1993-3260A>G (NM_001410809.1); c.1816-3260A>G (NM_001410811.1, NM_001410813.1); c.1660-3260A>G (NM_001410817.1); c.2014A>G, p.Ser672Gly (NM_001280541.2); c.1588A>G, p.Ser530Gly (NM_001280545.2); c.1411A>G, p.Ser471Gly (NM_001280546.2); c.2038A>G, p.Ser680Gly (NM_001410808.1); and 2 more; short protein forms S471G, S731G, S569G, S621G, S530G, S672G, S680G.
Identifiers: ClinVar variation 3717730 (VCV003717730.2).
Genomic context (GRCh38, chr3:129,492,186, plus strand): 5'-ATTTCTTCGCCACAGGCCTTCATCAGAGTACAAGACCTCCGATATTTAGAGCTCATCAGC[A>G]GCATTGAGGTAAAAGATGAAGCATTTTTCCTTCTCAAGAAGGCATACTTGGGGTTCCTGT-3'
Protein context (NP_443715.1, residues 670-690): QDLRYLELIS[Ser680Gly]IEERKKRGET